The following is an entry in ClinVar:

NM_001197104.2(KMT2A):c.9885CAT[1] (p.Ile3296del)

Gene: KMT2A (lysine methyltransferase 2A; plus strand). Cytogenetic location: 11q23.3.
Variant type: Microsatellite.
Coding change: c.9885CAT[1] on transcript NM_001197104.2 (MANE Select); one copy of the 3-base unit CAT starting at c.9885; the reference has two copies in a row; one copy, 3 bases deleted; also written c.9888_9890del.
Protein change: p.Ile3296del; deletes isoleucine 3296.
Molecular consequence: inframe deletion.
Genome position (GRCh38, 1-based): chr11:118,505,780-118,505,782, CAT deleted; deleting any 3 consecutive bases within chr11:118,505,777-118,505,782 gives the same sequence; the position shown is the placement nearest the transcript's 3' end. VCF-style (leftmost placement, unchanged base first): chr11-118505776-GCAT-G. GRCh37 (hg19) VCF-style: chr11-118376491-GCAT-G.
Other names: c.9888_9890del (NM_001197104.1); c.9876CAT[1], p.Ile3293del (NM_005933.4); short protein forms I3293del, I3296del.
Identifiers: ClinVar variation 1398561 (VCV001398561.8), dbSNP rs1453529585, ClinGen allele CA602150063.

ClinVar aggregate classification (germline): Uncertain significance. Review status: criteria provided, multiple submitters, no conflicts (2 of 4 stars). 2 submissions from 2 submitters: Uncertain significance (2). Last evaluated 2023-10-24.

Submissions (2):

Labcorp Genetics (formerly Invitae), Labcorp
Classification: Uncertain significance. Last evaluated: 2023-10-24. Review status: criteria provided, single submitter. Criteria: Invitae Variant Classification Sherloc (09022015). Collection method: clinical testing. Allele origin: germline.
Comment: This variant, c.9888_9890del, results in the deletion of 1 amino acid(s) of the KMT2A protein (p.Ile3296del), but otherwise preserves the integrity of the reading frame. This variant is present in population databases (no rsID available, gnomAD 0.003%). This variant has not been reported in the literature in individuals affected with KMT2A-related conditions. ClinVar contains an entry for this variant (Variation ID: 1398561). Experimental studies and prediction algorithms are not available or were not evaluated, and the functional significance of this variant is currently unknown. In summary, the available evidence is currently insufficient to determine the role of this variant in disease. Therefore, it has been classified as a Variant of Uncertain Significance.

GeneDx
Classification: Uncertain significance. Last evaluated: 2023-02-14. Review status: criteria provided, single submitter. Criteria: GeneDx Variant Classification Process June 2021. Collection method: clinical testing. Allele origin: germline. Affected: yes.
Comment: In-frame deletion of 1 amino acid in a non-repeat region; In silico analysis supports a deleterious effect on protein structure/function; Has not been previously published as pathogenic or benign to our knowledge